The following is an entry in ClinVar:

NM_207111.4(RNF216):c.2158A>G (p.Ile720Val)

Gene: RNF216 (ring finger protein 216; minus strand). Cytogenetic location: 7p22.1.
Variant type: single nucleotide variant.
Coding change: c.2158A>G on transcript NM_207111.4 (MANE Select); coding-DNA position 2158, A replaced by G.
Protein change: p.Ile720Val; replaces isoleucine 720 with valine.
Molecular consequence: missense variant.
Genome position (GRCh38, 1-based): chr7:5,652,414, T>C on the plus strand (A>G on the coding strand, the complement: RNF216 is on the minus strand). VCF-style: chr7-5652414-T-C. GRCh37 (hg19) VCF-style: chr7-5692045-T-C.
Other names: c.1987A>G, p.Ile663Val (NM_001377156.1, NM_207116.3); short protein forms I663V, I720V.
Identifiers: ClinVar variation 2192082 (VCV002192082.4), dbSNP rs762099212, ClinGen allele CA4147895.

ClinVar aggregate classification (germline): Uncertain significance (1 of 4 stars; one submission).

Allele frequency attached by ClinVar (database versions not stated): gnomAD 0.00001; TOPMed 0.00001; ExAC 0.00002.
gnomAD v4.1: 57 of 1,604,522 alleles (0.0036%); highest among the groups gnomAD compares: Admixed American, 0.005%; no homozygotes.

Submission:

Labcorp Genetics (formerly Invitae), Labcorp
Classification: Uncertain significance. Last evaluated: 2025-01-06. Review status: criteria provided, single submitter. Criteria: Invitae Variant Classification Sherloc (09022015). Collection method: clinical testing. Allele origin: germline.
Comment: This sequence change replaces isoleucine, which is neutral and non-polar, with valine, which is neutral and non-polar, at codon 720 of the RNF216 protein (p.Ile720Val). This variant is present in population databases (rs762099212, gnomAD 0.006%). This variant has not been reported in the literature in individuals affected with RNF216-related conditions. ClinVar contains an entry for this variant (Variation ID: 2192082). An algorithm developed to predict the effect of missense changes on protein structure and function outputs the following: PolyPhen-2: "Benign". The valine amino acid residue is found in multiple mammalian species, which suggests that this missense change does not adversely affect protein function. In summary, the available evidence is currently insufficient to determine the role of this variant in disease. Therefore, it has been classified as a Variant of Uncertain Significance.